The following is an entry in ClinVar:

ClinVar aggregate classification (germline): Likely pathogenic. Review status: criteria provided, multiple submitters, no conflicts (2 of 4 stars). 2 submissions from 2 submitters: Likely pathogenic (2). Last evaluated 2024-12-20.

Conditions:
Lysosomal acid lipase deficiency. Also called: Acid cholesteryl ester hydrolase deficiency, type 2. Identifiers: Orphanet 275761, MedGen C5574740, MONDO:0800449, MONDO:0010204.
Wolman disease (WOLD). Also called: Acid cholesteryl ester hydrolase deficiency, Wolman type; Acid lipase disease; Wolman disease, CESD; Wolman disease with hypolipoproteinemia and acanthocytosis; LYSOSOMAL ACID LIPASE DEFICIENCY, ACUTE INFANTILE; LYSOSOMAL ACID LIPASE DEFICIENCY, COMPLETE. Identifiers: Orphanet 75233, MedGen C0043208, MONDO:0019148, OMIM 620151.

Submissions (2):

Natera, Inc.
Classification: Likely pathogenic for Lysosomal acid lipase deficiency. Last evaluated: 2024-12-20. Review status: criteria provided, single submitter. Criteria: Natera Variant Classification Schema (03/2026). Collection method: clinical testing. Allele origin: germline.
Comment: The c.823-2A>G variant in LIPA is a canonical splice acceptor site variant predicted to affect pre-mRNA splicing, which may result in an abnormal transcript and altered protein product. This variant is expected to result in nonsense mediated decay, truncation, or a dysfunctional protein product. This variant is rare in the general population with a frequency below the threshold expected for the associated phenotype(s). Given the available evidence, this variant is classified as Likely Pathogenic.

Labcorp Genetics (formerly Invitae), Labcorp
Classification: Likely pathogenic for Wolman disease. Last evaluated: 2023-07-09. Review status: criteria provided, single submitter. Criteria: Invitae Variant Classification Sherloc (09022015). Collection method: clinical testing. Allele origin: germline.
Comment: In summary, the currently available evidence indicates that the variant is pathogenic, but additional data are needed to prove that conclusively. Therefore, this variant has been classified as Likely Pathogenic. Algorithms developed to predict the effect of sequence changes on RNA splicing suggest that this variant may disrupt the consensus splice site. This variant has not been reported in the literature in individuals affected with LIPA-related conditions. This variant is not present in population databases (gnomAD no frequency). This sequence change affects an acceptor splice site in intron 7 of the LIPA gene. It is expected to disrupt RNA splicing. Variants that disrupt the donor or acceptor splice site typically lead to a loss of protein function (PMID: 16199547), and loss-of-function variants in LIPA are known to be pathogenic (PMID: 23485521).

Literature cited by the submitters: PubMed 16199547 (cited by Labcorp Genetics (formerly Invitae), Labcorp); PubMed 23485521 (cited by Labcorp Genetics (formerly Invitae), Labcorp).

NM_000235.4(LIPA):c.823-2A>G

Gene: LIPA (lipase A, lysosomal acid type; minus strand). Cytogenetic location: 10q23.31.
Variant type: single nucleotide variant.
Coding change: c.823-2A>G on transcript NM_000235.4 (MANE Select); the canonical splice acceptor site of the intron before coding-DNA position 823, A replaced by G.
Molecular consequence: splice acceptor variant.
Genome position (GRCh38, 1-based): chr10:89,222,584, T>C on the plus strand (A>G on the coding strand, the complement: LIPA is on the minus strand). VCF-style: chr10-89222584-T-C. GRCh37 (hg19) VCF-style: chr10-90982341-T-C.
Other names: c.475-2A>G (NM_001288979.2); c.823-2A>G (NM_001127605.3, NM_000235.3).
Identifiers: ClinVar variation 2879483 (VCV002879483.4), dbSNP rs2495575745, ClinGen allele CA377516800.